The following is an entry in ClinVar:

ClinVar aggregate classification (germline): Conflicting classifications of pathogenicity. Review status: criteria provided, conflicting classifications (1 of 4 stars). 3 submissions from 3 submitters: Likely pathogenic (1); Uncertain significance (1). 1 of the submissions does not count toward it. Last evaluated 2025-06-02.

Conditions:
Medium-chain acyl-coenzyme A dehydrogenase deficiency (ACADMD). Also called: ACADM DEFICIENCY; MCADH DEFICIENCY; CARNITINE DEFICIENCY SECONDARY TO MEDIUM-CHAIN ACYL-CoA DEHYDROGENASE DEFICIENCY; Medium chain acyl-CoA dehydrogenase deficiency; MCADD; MCAD Deficiency. Identifiers: Orphanet 42, MedGen C0220710, MONDO:0008721, OMIM 201450.

Allele frequency attached by ClinVar (database versions not stated): TOPMed 0.00001.
gnomAD v4.1: 24 of 1,614,020 alleles (0.0015%); highest among the groups gnomAD compares: Non-Finnish European, 0.002%; no homozygotes.

Submissions (3):

Labcorp Genetics (formerly Invitae), Labcorp
Classification: Likely pathogenic for Medium-chain acyl-coenzyme A dehydrogenase deficiency. Last evaluated: 2025-06-02. Review status: criteria provided, single submitter. Criteria: Invitae Variant Classification Sherloc (09022015). Collection method: clinical testing. Allele origin: germline.
Comment: This sequence change replaces proline, which is neutral and non-polar, with leucine, which is neutral and non-polar, at codon 258 of the ACADM protein (p.Pro258Leu). This variant is present in population databases (no rsID available, gnomAD 0.0009%). This missense change has been observed in individual(s) with MCAD deficiency (PMID: 23151387; internal data). In at least one individual the data is consistent with being in trans (on the opposite chromosome) from a pathogenic variant. ClinVar contains an entry for this variant (Variation ID: 431984). Invitae Evidence Modeling of protein sequence and biophysical properties (such as structural, functional, and spatial information, amino acid conservation, physicochemical variation, residue mobility, and thermodynamic stability) indicates that this missense variant is expected to disrupt ACADM protein function with a positive predictive value of 80%. In summary, the currently available evidence indicates that the variant is pathogenic, but additional data are needed to prove that conclusively. Therefore, this variant has been classified as Likely Pathogenic.

GeneDx
Classification: Uncertain significance. Last evaluated: 2018-05-31. Review status: criteria provided, single submitter. Criteria: GeneDx Variant Classification (06012015). Collection method: clinical testing. Allele origin: germline. Affected: yes.
Comment: TheP258L variant was reported previously in an individual with significantly elevated C8 on newbornscreening where confirmatory testing was within normal limits; therefore this individual's result wasreported to the state laboratory as a false positive for medium chain acyl-CoA dehydrogenase(MCAD) deficiency (McCandless et al., 2013). The P258L variant is not observed in largepopulation cohorts (Lek et al., 2016; 1000 Genomes Consortium et al., 2015; Exome Variant Server). The P258L variant is a semi-conservative amino acid substitution, which may impact secondaryprotein structure as these residues differ in some properties. This substitution occurs at a position thatis conserved across species. In silico analysis predicts this variant is probably damaging to the proteinstructure/function. In summary, based on the currently available information, it is unclear whether thisvariant is a pathogenic variant or a rare benign variant.

Natera, Inc.
Classification: Uncertain significance for Medium-chain acyl-coenzyme a dehydrogenase deficiency. Last evaluated: 2020-09-16. Review status: no assertion criteria provided. Collection method: clinical testing. Allele origin: germline. Not counted in ClinVar's aggregate classification.

Literature cited by the submitters: PubMed 23151387 (cited by Labcorp Genetics (formerly Invitae), Labcorp).

NM_000016.6(ACADM):c.773C>T (p.Pro258Leu)

Gene: ACADM (acyl-CoA dehydrogenase medium chain; plus strand). Cytogenetic location: 1p31.1.
Variant type: single nucleotide variant.
Coding change: c.773C>T on transcript NM_000016.6 (MANE Select); coding-DNA position 773, C replaced by T.
Protein change: p.Pro258Leu; replaces proline 258 with leucine.
Molecular consequence: missense variant.
Genome position (GRCh38, 1-based): chr1:75,749,483, C>T. VCF-style: chr1-75749483-C-T. GRCh37 (hg19) VCF-style: chr1-76215168-C-T.
Other names: c.785C>T, p.Pro262Leu (NM_001127328.3); c.665C>T, p.Pro222Leu (NM_001286042.2); c.872C>T, p.Pro291Leu (NM_001286043.2); c.206C>T, p.Pro69Leu (NM_001286044.2); short protein forms P258L, P69L, P262L, P222L, P291L.
Identifiers: ClinVar variation 431984 (VCV000431984.4), dbSNP rs1022879056, ClinGen allele CA24631612.
Genomic context (GRCh38, chr1:75,749,483, plus strand): 5'-TAAACATGGGCCAGCGATGTTCAGATACTAGAGGAATTGTCTTCGAAGATGTGAAAGTGC[C>T]TAAAGAAAATGTTTTAATTGGTGACGGAGCTGGTTTCAAAGTTGCAATGGGAGCTTTTGA-3'
Protein context (NP_000007.1, residues 248-268): RGIVFEDVKV[Pro258Leu]KENVLIGDGA